The following is an entry in ClinVar:

NM_007294.4(BRCA1):c.4249G>T (p.Val1417Leu)

Gene: BRCA1 (BRCA1 DNA repair associated; minus strand). Cytogenetic location: 17q21.31.
Variant type: single nucleotide variant.
Coding change: c.4249G>T on transcript NM_007294.4 (MANE Select); coding-DNA position 4249, G replaced by T.
Protein change: p.Val1417Leu; replaces valine 1417 with leucine.
Molecular consequence: missense variant. On other transcripts: non-coding transcript variant (1).
Genome position (GRCh38, 1-based): chr17:43,082,512, C>A on the plus strand (G>T on the coding strand, the complement: BRCA1 is on the minus strand). VCF-style: chr17-43082512-C-A. GRCh37 (hg19) VCF-style: chr17-41234529-C-A.
Other names: c.814G>T, p.Val272Leu (NM_001408447.1, NM_001408450.1, NM_001408448.1 and 10 more transcripts); c.805G>T, p.Val269Leu (NM_001408451.1); c.4126G>T, p.Val1376Leu (NM_001407648.1, NM_001407664.1, NM_001407665.1 and 13 more transcripts); c.4123G>T, p.Val1375Leu (NM_001407649.1, NM_001407670.1, NM_001407671.1 and 12 more transcripts); c.4249G>T, p.Val1417Leu (NM_001407652.1, NM_001407684.1, NM_001407854.1 and 23 more transcripts); c.4171G>T, p.Val1391Leu (NM_001407653.1, NM_001407654.1, NM_001407655.1 and 2 more transcripts); c.4168G>T, p.Val1390Leu (NM_001407656.1, NM_001407661.1, NM_001407662.1 and 1 more transcripts); c.4165G>T, p.Val1389Leu (NM_001407659.1, NM_001407660.1); and 51 more; short protein forms V1304L, V1327L, V1345L, V1346L, V1347L, V1389L, V1390L, V1415L.
Identifiers: ClinVar variation 1739051 (VCV001739051.2), dbSNP rs1029805420, ClinGen allele CA10593221.
Genomic context (GRCh38, chr17:43,082,512, plus strand): 5'-AAGAGTCACTTATGATGGAAGGGTAGCTGTTAGAAGGCTGGCTCCCATGCTGTTCTAACA[C>A]AGCTTCTAGTTCAGCCATTTCCTGCTGGAGCTTTATCAGGTTATGTTGCATGGTATCCCT-3'
Protein context (NP_009225.1, residues 1407-1427): LQQEMAELEA[Val1417Leu]LEQHGSQPSN

ClinVar aggregate classification (germline): Uncertain significance (1 of 4 stars; one submission).

Conditions:
Hereditary cancer-predisposing syndrome. Also called: Hereditary Cancer Syndrome; Hereditary neoplastic syndrome; Neoplastic Syndromes, Hereditary; Tumor predisposition. Identifiers: Orphanet 140162, MedGen C0027672, MeSH D009386, MONDO:0015356.

Submission:

Ambry Genetics
Classification: Uncertain significance for Hereditary cancer-predisposing syndrome. Last evaluated: 2022-02-18. Review status: criteria provided, single submitter. Criteria: Ambry Variant Classification Scheme 2023. Collection method: clinical testing. Allele origin: germline.
Comment: The p.V1417L variant (also known as c.4249G>T), located in coding exon 11 of the BRCA1 gene, results from a G to T substitution at nucleotide position 4249. The valine at codon 1417 is replaced by leucine, an amino acid with highly similar properties. This amino acid position is highly conserved in available vertebrate species. In addition, the in silico prediction for this alteration is inconclusive. Since supporting evidence is limited at this time, the clinical significance of this alteration remains unclear.